The following is an entry in ClinVar:

ClinVar aggregate classification (germline): Pathogenic (1 of 4 stars; one submission).

Conditions:
Long QT syndrome (LQTS). Identifiers: MedGen C0023976, MeSH D008133, MONDO:0002442. Disease mechanism: loss of function. Inheritance: Various modes of inheritance.

Submission:

Labcorp Genetics (formerly Invitae), Labcorp
Classification: Pathogenic for Long QT syndrome. Last evaluated: 2022-02-05. Review status: criteria provided, single submitter. Criteria: Invitae Variant Classification Sherloc (09022015). Collection method: clinical testing. Allele origin: germline.
Comment: For these reasons, this variant has been classified as Pathogenic. This variant disrupts a region of the KCNQ1 protein in which other variant(s) (p.Thr587Met) have been determined to be pathogenic (PMID: 9799083, 10024302, 11162126, 19959132). This suggests that this is a clinically significant region of the protein, and that variants that disrupt it are likely to be disease-causing. This variant has not been reported in the literature in individuals affected with KCNQ1-related conditions. This variant is a gross deletion of the genomic region encompassing exon(s) 15 of the KCNQ1 gene. While this deletion is not anticipated to lead to nonsense mediated decay, it is expected to disrupt the C-terminus of the protein.

Literature cited by the submitters: PubMed 9799083; PubMed 10024302; PubMed 11162126; PubMed 19959132.

NC_000011.9:g.(?_2799186)_(2799287_?)del

Gene: KCNQ1 (potassium voltage-gated channel subfamily Q member 1; plus strand). Cytogenetic location: 11p15.5.
Variant type: Deletion.
Identifiers: ClinVar variation 2422596 (VCV002422596.5).